The following is an entry in ClinVar:

ClinVar aggregate classification (germline): Likely pathogenic (1 of 4 stars; one submission).

Conditions:
Nemaline myopathy 2 (NEM2). Also called: Nemaline myopathy 2, autosomal recessive. Identifiers: MedGen C1850569, MONDO:0009725, OMIM 256030.

Submission:

Myriad Genetics, Inc.
Classification: Likely pathogenic for Nemaline myopathy 2. Last evaluated: 2022-03-30. Review status: criteria provided, single submitter. Criteria: Myriad Women's Health Autosomal Recessive and X-Linked Classification Criteria (2021). Collection method: clinical testing. Allele origin: unknown.
Comment: NM_001271208.1(NEB):c.7075_7078delAGCC(S2359Qfs*60) is expected to be pathogenic in the context of NEB-related nemaline myopathy. This variant is predicted to lead to an abnormal or absent protein product due to the creation of a premature termination codon in NEB, a gene where loss-of-function variants are known to be pathogenic. Please note: this variant was assessed in the context of healthy population screening.

NM_001164508.2(NEB):c.7075_7078del (p.Ser2359fs)

Gene: NEB (nebulin; minus strand). Cytogenetic location: 2q23.3.
Variant type: Deletion.
Coding change: c.7075_7078del on transcript NM_001164508.2 (MANE Select); coding-DNA positions 7075 to 7078, 4 bases deleted (AGCC; older notation c.7075_7078delAGCC).
Protein change: p.Ser2359fs; shifts the reading frame from serine 2359.
Molecular consequence: frameshift variant.
Genome position (GRCh38, 1-based): chr2:151,650,723-151,650,726, GGCT deleted on the plus strand (AGCC on the coding strand, the reverse complement: NEB is on the minus strand); deleting any 4 consecutive bases within chr2:151,650,723-151,650,728 gives the same sequence; the c. name uses the placement nearest the transcript's 3' end. VCF-style (leftmost placement, unchanged base first): chr2-151650722-GGGCT-G. GRCh37 (hg19) VCF-style: chr2-152507236-GGGCT-G.
Other names: c.7075_7078del, p.Ser2359fs (NM_001164507.2, NM_001271208.2, NM_004543.5); short protein forms S2359fs.
Identifiers: ClinVar variation 1725582 (VCV001725582.2), dbSNP rs2552249925, ClinGen allele CA2580064174.
Genomic context (GRCh38, chr2:151,650,722, plus strand): 5'-TCCACGTCACTAACCAACTCCTGACACTTCTTGGCCAGTACCACTCCCAACATGTCCACT[GGGCT>G]GGAGAACTTAGTTTTCCACTTCTCAAAGTCCTTCTTGTATTCTCTTTCACTCTGCATTTT-3'